The following is an entry in ClinVar:

ClinVar aggregate classification (germline): Pathogenic (1 of 4 stars; one submission).

Conditions:
Macular corneal dystrophy (MCD). Also called: Macular corneal dystrophy Type I; GROENOUW TYPE II CORNEAL DYSTROPHY. Identifiers: Orphanet 98969, MedGen C1636149, MONDO:0009020, OMIM 217800.

Submission:

Labcorp Genetics (formerly Invitae), Labcorp
Classification: Pathogenic for Macular corneal dystrophy. Last evaluated: 2025-08-04. Review status: criteria provided, single submitter. Criteria: Invitae Variant Classification Sherloc (09022015). Collection method: clinical testing. Allele origin: germline.
Comment: This sequence change creates a premature translational stop signal (p.Gln18Argfs*52) in the CHST6 gene. While this is not anticipated to result in nonsense mediated decay, it is expected to disrupt the last 378 amino acid(s) of the CHST6 protein. This variant is present in population databases (rs750404930, gnomAD 0.002%). This premature translational stop signal has been observed in individual(s) with macular corneal dystrophy (PMID: 16568029). This variant disrupts a region of the CHST6 protein in which other variant(s) (p.Gln298*) have been determined to be pathogenic (PMID: 19365571). This suggests that this is a clinically significant region of the protein, and that variants that disrupt it are likely to be disease-causing. For these reasons, this variant has been classified as Pathogenic.

Literature cited by the submitters: PubMed 16568029; PubMed 19365571.

NM_021615.5(CHST6):c.51del (p.Gln18fs)

Gene: CHST6 (carbohydrate sulfotransferase 6; minus strand). Cytogenetic location: 16q23.1.
Variant type: Deletion.
Coding change: c.51del on transcript NM_021615.5 (MANE Select); coding-DNA position 51, one base deleted (G; older notation c.51delG).
Protein change: p.Gln18fs; shifts the reading frame from glutamine 18.
Molecular consequence: frameshift variant.
Genome position (GRCh38, 1-based): chr16:75,479,778, C deleted on the plus strand (G on the coding strand, the reverse complement: CHST6 is on the minus strand). VCF-style (leftmost placement, unchanged base first): chr16-75479777-GC-G. GRCh37 (hg19) VCF-style: chr16-75513675-GC-G.
Other names: short protein forms Q18fs.
Identifiers: ClinVar variation 4710279 (VCV004710279.1).